The following is an entry in ClinVar:

ClinVar aggregate classification (germline): Uncertain significance. Review status: criteria provided, multiple submitters, no conflicts (2 of 4 stars). 2 submissions from 2 submitters: Uncertain significance (2). Last evaluated 2025-04-10.

Conditions:
Inborn genetic diseases. Identifiers: MedGen C0950123, MeSH D030342.

gnomAD v4.1: 3 of 1,591,122 alleles (0.00019%); highest among the groups gnomAD compares: Admixed American, 0.0017%; no homozygotes.

Submissions (2):

Ambry Genetics
Classification: Uncertain significance for Inborn genetic diseases. Last evaluated: 2025-04-10. Review status: criteria provided, single submitter. Criteria: Ambry Variant Classification Scheme 2023. Collection method: clinical testing. Allele origin: germline.

Labcorp Genetics (formerly Invitae), Labcorp
Classification: Uncertain significance. Last evaluated: 2022-08-08. Review status: criteria provided, single submitter. Criteria: Invitae Variant Classification Sherloc (09022015). Collection method: clinical testing. Allele origin: germline.
Comment: This sequence change replaces arginine, which is basic and polar, with leucine, which is neutral and non-polar, at codon 214 of the TONSL protein (p.Arg214Leu). The frequency data for this variant in the population databases is considered unreliable, as metrics indicate poor data quality at this position in the gnomAD database. This variant has not been reported in the literature in individuals affected with TONSL-related conditions. Algorithms developed to predict the effect of missense changes on protein structure and function are either unavailable or do not agree on the potential impact of this missense change (SIFT: "Deleterious"; PolyPhen-2: "Probably Damaging"; Align-GVGD: "Class C15"). In summary, the available evidence is currently insufficient to determine the role of this variant in disease. Therefore, it has been classified as a Variant of Uncertain Significance.

NM_013432.5(TONSL):c.641G>T (p.Arg214Leu)

Gene: TONSL (tonsoku like, DNA repair protein; minus strand). Cytogenetic location: 8q24.3.
Variant type: single nucleotide variant.
Coding change: c.641G>T on transcript NM_013432.5 (MANE Select); coding-DNA position 641, G replaced by T.
Protein change: p.Arg214Leu; replaces arginine 214 with leucine.
Molecular consequence: missense variant.
Genome position (GRCh38, 1-based): chr8:144,442,350, C>A on the plus strand (G>T on the coding strand, the complement: TONSL is on the minus strand). VCF-style: chr8-144442350-C-A. GRCh37 (hg19) VCF-style: chr8-145667733-C-A.
Other names: c.641G>T (NM_013432.4); short protein forms R214L.
Identifiers: ClinVar variation 2192247 (VCV002192247.2), dbSNP rs558578623, ClinGen allele CA4943568.